The following is an entry in ClinVar:

ClinVar aggregate classification (germline): Uncertain significance (1 of 4 stars; one submission).

Submission:

Laboratory for Molecular Medicine, Mass General Brigham Personalized Medicine
Classification: Uncertain significance. Last evaluated: 2019-08-27. Review status: criteria provided, single submitter. Criteria: LMM Criteria. Collection method: clinical testing. Allele origin: germline. Observed: 1 variant allele.
Comment: The p.Cys673Tyr variant in MYH14 has not been previously reported in individuals with hearing loss and was absent from large population studies. Computational prediction tools and conservation analysis suggest that this variant may not impact the protein, though this information is not predictive enough to rule out pathogenicity. In summary, the clinical significance of this variant is uncertain. ACMG/AMP Criteria applied: PM2, BP4.

NM_001145809.2(MYH14):c.2018G>A (p.Cys673Tyr)

Gene: MYH14 (myosin heavy chain 14; plus strand). Cytogenetic location: 19q13.33.
Variant type: single nucleotide variant.
Coding change: c.2018G>A on transcript NM_001145809.2 (MANE Select); coding-DNA position 2018, G replaced by A.
Protein change: p.Cys673Tyr; replaces cysteine 673 with tyrosine.
Molecular consequence: missense variant. On other transcripts: intron variant (2).
Genome position (GRCh38, 1-based): chr19:50,255,292, G>A. VCF-style: chr19-50255292-G-A. GRCh37 (hg19) VCF-style: chr19-50758549-G-A.
Other names: c.1946-2007G>A (NM_001077186.2); c.1922-2007G>A (NM_024729.4); short protein forms C673Y.
Identifiers: ClinVar variation 930155 (VCV000930155.4), dbSNP rs2034551985, ClinGen allele CA406944326.
Genomic context (GRCh38, chr19:50,255,292, plus strand): 5'-TCCAGCAGTTCTCTTTCCTTGGCTCCTTCCCACCGTCGCCCCCAGGATCTGCAGAGAGGT[G>A]CAGCTCTGCTATTTCTCCGCCAGGGGGTGGGTGTCTCTGTGCATCGATGGGTGAGGCTTG-3'
Protein context (NP_001139281.1, residues 663-683): PPSPPGSAER[Cys673Tyr]SSAISPPGVE